The following is an entry in ClinVar:

NM_006846.4(SPINK5):c.652C>G (p.Arg218Gly)

Gene: SPINK5 (serine peptidase inhibitor Kazal type 5; plus strand). Cytogenetic location: 5q32.
Variant type: single nucleotide variant.
Coding change: c.652C>G on transcript NM_006846.4 (MANE Select); coding-DNA position 652, C replaced by G.
Protein change: p.Arg218Gly; replaces arginine 218 with glycine.
Molecular consequence: missense variant.
Genome position (GRCh38, 1-based): chr5:148,091,214, C>G. VCF-style: chr5-148091214-C-G. GRCh37 (hg19) VCF-style: chr5-147470777-C-G.
Other names: c.652C>G, p.Arg218Gly (NM_001127698.2, NM_001127699.2); short protein forms R218G.
Identifiers: ClinVar variation 968176 (VCV000968176.7), dbSNP rs199757347, ClinGen allele CA3495298.

ClinVar aggregate classification (germline): Uncertain significance (1 of 4 stars; one submission).

Conditions:
Netherton syndrome (NETH). Also called: NETHERTON DISEASE; ERYTHRODERMA, ICHTHYOSIFORM, WITH HYPOTRICHOSIS AND HYPER-IgE; COMEL-NETHERTON SYNDROME. Identifiers: Orphanet 634, MedGen C5574950, MONDO:0009735, OMIM 256500.

Allele frequency attached by ClinVar (database versions not stated): TOPMed 0.00001.
gnomAD v4.1: 29 of 1,611,218 alleles (0.0018%); highest among the groups gnomAD compares: East Asian, 0.025%; no homozygotes.

Submission:

Labcorp Genetics (formerly Invitae), Labcorp
Classification: Uncertain significance for Ichthyosis linearis circumflexa. Last evaluated: 2022-04-24. Review status: criteria provided, single submitter. Criteria: Invitae Variant Classification Sherloc (09022015). Collection method: clinical testing. Allele origin: germline.
Comment: This sequence change replaces arginine, which is basic and polar, with glycine, which is neutral and non-polar, at codon 218 of the SPINK5 protein (p.Arg218Gly). This variant is present in population databases (rs199757347, gnomAD 0.03%). This variant has not been reported in the literature in individuals affected with SPINK5-related conditions. ClinVar contains an entry for this variant (Variation ID: 968176). Algorithms developed to predict the effect of missense changes on protein structure and function are either unavailable or do not agree on the potential impact of this missense change (SIFT: "Deleterious"; PolyPhen-2: "Probably Damaging"; Align-GVGD: "Class C0"). In summary, the available evidence is currently insufficient to determine the role of this variant in disease. Therefore, it has been classified as a Variant of Uncertain Significance.